The following is an entry in ClinVar:

ClinVar aggregate classification (germline): Uncertain significance (1 of 4 stars; one submission).

Allele frequency attached by ClinVar (database versions not stated): gnomAD exomes below 0.00001; TOPMed below 0.00001; gnomAD 0.00001.
gnomAD v4.1: 3 of 1,612,772 alleles (0.00019%); highest among the groups gnomAD compares: Non-Finnish European, 0.00025%; no homozygotes.

Submission:

Ambry Genetics
Classification: Uncertain significance. Last evaluated: 2023-03-04. Review status: criteria provided, single submitter. Criteria: Ambry Variant Classification Scheme 2023. Collection method: clinical testing. Allele origin: germline.
Comment: The p.A346T variant (also known as c.1036G>A), located in coding exon 2 of the PALLD gene, results from a G to A substitution at nucleotide position 1036. The alanine at codon 346 is replaced by threonine, an amino acid with similar properties. This amino acid position is conserved. In addition, this alteration is predicted to be deleterious by in silico analysis. Since supporting evidence is limited at this time, the clinical significance of this alteration remains unclear.

NM_001166108.2(PALLD):c.1036G>A (p.Ala346Thr)

Gene: PALLD (palladin, cytoskeletal associated protein; plus strand). Cytogenetic location: 4q32.3.
Variant type: single nucleotide variant.
Coding change: c.1036G>A on transcript NM_001166108.2 (MANE Select); coding-DNA position 1036, G replaced by A.
Protein change: p.Ala346Thr; replaces alanine 346 with threonine.
Molecular consequence: missense variant. On other transcripts: 5 prime UTR variant (1).
Genome position (GRCh38, 1-based): chr4:168,668,317, G>A. VCF-style: chr4-168668317-G-A. GRCh37 (hg19) VCF-style: chr4-169589468-G-A.
Other names: c.-111G>A (NM_001166109.2); c.1036G>A, p.Ala346Thr (NM_016081.4); short protein forms A346T.
Identifiers: ClinVar variation 2497006 (VCV002497006.2), dbSNP rs1183685139, ClinGen allele CA358793854.
Genomic context (GRCh38, chr4:168,668,317, plus strand): 5'-CTCCATACCCTGATCATAGCAGAGGCCTTTGAGGACGACACAGGTCGCTACACCTGTTTG[G>A]CTACGAATCCCAGCGGCTCAGACACAACATCTGCTGAGGTGTTCATTGAAGGTAAGGAGG-3'
Protein context (NP_001159580.1, residues 336-356): EDDTGRYTCL[Ala346Thr]TNPSGSDTTS